The following is an entry in ClinVar:

ClinVar aggregate classification (germline): Uncertain significance (1 of 4 stars; one submission).

Conditions:
Inborn genetic diseases. Identifiers: MedGen C0950123, MeSH D030342.

gnomAD v4.1: 1 of 1,613,890 alleles (0.000062%); highest among the groups gnomAD compares: Non-Finnish European, 0.000085%; no homozygotes.

Submission:

Ambry Genetics
Classification: Uncertain significance for Inborn genetic diseases. Last evaluated: 2026-08-10. Review status: criteria provided, single submitter. Criteria: Ambry Variant Classification Scheme 2023. Collection method: clinical testing. Allele origin: germline.
Comment: The p.G229S variant (also known as c.685G>A), located in coding exon 2 of the WT1 gene, results from a G to A substitution at nucleotide position 685. The glycine at codon 229 is replaced by serine, an amino acid with similar properties. This amino acid position is highly conserved in available vertebrate species. In addition, this alteration is predicted to be tolerated by in silico analysis. Based on the available evidence, the clinical significance of this variant remains unclear.

NM_024426.6(WT1):c.700G>A (p.Gly234Ser)

Gene: WT1 (WT1 transcription factor; minus strand). Cytogenetic location: 11p13.
Variant type: single nucleotide variant.
Coding change: c.700G>A on transcript NM_024426.6 (MANE Select); coding-DNA position 700, G replaced by A.
Protein change: p.Gly234Ser; replaces glycine 234 with serine.
Molecular consequence: missense variant. On other transcripts: 5 prime UTR variant (1), non-coding transcript variant (2), intron variant (2).
Genome position (GRCh38, 1-based): chr11:32,428,581, C>T on the plus strand (G>A on the coding strand, the complement: WT1 is on the minus strand). VCF-style: chr11-32428581-C-T. GRCh37 (hg19) VCF-style: chr11-32450127-C-T.
Other names: c.700G>A, p.Gly234Ser (NM_000378.6, NM_001407044.1, NM_001407045.1 and 4 more transcripts); c.49G>A, p.Gly17Ser (NM_001198551.2, NM_001198552.2); c.-63G>A (NM_001407051.1); c.481G>A, p.Gly161Ser (NM_001429031.1, NM_001429032.1, NM_001429033.1 and 1 more transcripts); c.662-523G>A (NM_001407050.1, NM_001407047.1); short protein forms G161S, G229S, G234S, G17S.
Identifiers: ClinVar variation 5032055 (VCV005032055.1).